The following is an entry in ClinVar:

NM_003737.4(DCHS1):c.7549G>A (p.Ala2517Thr)

Gene: DCHS1 (dachsous cadherin-related 1; minus strand). Cytogenetic location: 11p15.4.
Variant type: single nucleotide variant.
Coding change: c.7549G>A on transcript NM_003737.4 (MANE Select); coding-DNA position 7549, G replaced by A.
Protein change: p.Ala2517Thr; replaces alanine 2517 with threonine.
Molecular consequence: missense variant.
Genome position (GRCh38, 1-based): chr11:6,624,127, C>T on the plus strand (G>A on the coding strand, the complement: DCHS1 is on the minus strand). VCF-style: chr11-6624127-C-T. GRCh37 (hg19) VCF-style: chr11-6645358-C-T.
Other names: short protein forms A2517T.
Identifiers: ClinVar variation 3664643 (VCV003664643.3).

ClinVar aggregate classification (germline): Conflicting classifications of pathogenicity. Review status: criteria provided, conflicting classifications (1 of 4 stars). 2 submissions from 2 submitters: Uncertain significance (1); Likely benign (1). Last evaluated 2026-07-01.

gnomAD v4.1: 7 of 1,611,476 alleles (0.00043%); highest among the groups gnomAD compares: African/African-American, 0.004%; no homozygotes.

Submissions (2):

CeGaT Center for Human Genetics Tuebingen
Classification: Likely benign. Last evaluated: 2026-07-01. Review status: criteria provided, single submitter. Criteria: CeGaT Center For Human Genetics Tuebingen Variant Classification Criteria Version 2. Collection method: clinical testing. Allele origin: germline. Affected: yes. Observed: 1 variant allele.
Comment: DCHS1: BP4

Labcorp Genetics (formerly Invitae), Labcorp
Classification: Uncertain significance. Last evaluated: 2024-04-18. Review status: criteria provided, single submitter. Criteria: Invitae Variant Classification Sherloc (09022015). Collection method: clinical testing. Allele origin: germline.
Comment: This sequence change replaces alanine, which is neutral and non-polar, with threonine, which is neutral and polar, at codon 2517 of the DCHS1 protein (p.Ala2517Thr). This variant is present in population databases (rs769541938, gnomAD 0.0009%). This variant has not been reported in the literature in individuals affected with DCHS1-related conditions. Advanced modeling of protein sequence and biophysical properties (such as structural, functional, and spatial information, amino acid conservation, physicochemical variation, residue mobility, and thermodynamic stability) performed at Invitae indicates that this missense variant is not expected to disrupt DCHS1 protein function with a negative predictive value of 80%. In summary, the available evidence is currently insufficient to determine the role of this variant in disease. Therefore, it has been classified as a Variant of Uncertain Significance.